The following is an entry in ClinVar:

ClinVar aggregate classification (germline): Likely pathogenic (1 of 4 stars; one submission).

Conditions:
Hyperinsulinemic hypoglycemia, familial, 1 (HHF1). Also called: HYPERINSULINISM, FAMILIAL, WITH PANCREATIC NESIDIOBLASTOSIS; HYPOGLYCEMIA, HYPERINSULINEMIC, OF INFANCY; NESIDIOBLASTOSIS OF PANCREAS; Persistent hyperinsulinemic hypoglycemia of infancy; Persistent Hyperinsulinemia Hypoglycemia of Infancy. Identifiers: Orphanet 276575, Orphanet 276598, MedGen C2931832, MONDO:0009734, OMIM 256450.

Submission:

Myriad Genetics, Inc.
Classification: Likely pathogenic for Hyperinsulinemic hypoglycemia, familial, 1. Last evaluated: 2021-12-05. Review status: criteria provided, single submitter. Criteria: Myriad Women's Health Autosomal Recessive and X-Linked Classification Criteria (2021). Collection method: clinical testing. Allele origin: unknown.
Comment: NM_000352.3(ABCC8):c.3269_3270delTG(L1090Qfs*23) is expected to be pathogenic in the context of familial hyperinsulinism, ABCC8-related. This variant is predicted to lead to an abnormal or absent protein product due to the creation of a premature termination codon in ABCC8, a gene where loss-of-function variants are known to be pathogenic. Please note: this variant was assessed in the context of healthy population screening.

NM_000352.6(ABCC8):c.3269_3270del (p.Leu1090fs)

Gene: ABCC8 (ATP binding cassette subfamily C member 8; minus strand). Cytogenetic location: 11p15.1.
Variant type: Deletion.
Coding change: c.3269_3270del on transcript NM_000352.6 (MANE Select); coding-DNA positions 3269 to 3270, 2 bases deleted (TG; older notation c.3269_3270delTG).
Protein change: p.Leu1090fs; shifts the reading frame from leucine 1090.
Molecular consequence: frameshift variant. On other transcripts: non-coding transcript variant (1).
Genome position (GRCh38, 1-based): chr11:17,406,681-17,406,682, CA deleted on the plus strand (TG on the coding strand, the reverse complement: ABCC8 is on the minus strand). VCF-style (leftmost placement, unchanged base first): chr11-17406680-TCA-T. GRCh37 (hg19) VCF-style: chr11-17428227-TCA-T.
Other names: c.3272_3273del, p.Leu1091fs (NM_001287174.3); c.3335_3336del, p.Leu1112fs (NM_001351295.2); c.3269_3270del, p.Leu1090fs (NM_001351296.2); c.3266_3267del, p.Leu1089fs (NM_001351297.2); short protein forms L1089fs, L1090fs, L1091fs, L1112fs.
Identifiers: ClinVar variation 1725711 (VCV001725711.2), dbSNP rs2496527196, ClinGen allele CA2580082814.